The following is an entry in ClinVar:

NM_000384.3(APOB):c.9717C>T (p.His3239=)

Gene: APOB (apolipoprotein B; minus strand). Cytogenetic location: 2p24.1.
Variant type: single nucleotide variant.
Coding change: c.9717C>T on transcript NM_000384.3 (MANE Select); coding-DNA position 9717, C replaced by T.
Protein change: p.His3239=; no amino-acid change (histidine 3239 retained).
Molecular consequence: synonymous variant.
Genome position (GRCh38, 1-based): chr2:21,007,151, G>A on the plus strand (C>T on the coding strand, the complement: APOB is on the minus strand). VCF-style: chr2-21007151-G-A. GRCh37 (hg19) VCF-style: chr2-21230023-G-A.
Identifiers: ClinVar variation 927814 (VCV000927814.27), dbSNP rs150668826, ClinGen allele CA066785.

ClinVar aggregate classification (germline): Likely benign. Review status: criteria provided, multiple submitters, no conflicts (2 of 4 stars). 2 submissions from 2 submitters: Likely benign (2). Last evaluated 2026-08-01.

Conditions:
Cardiovascular phenotype. Identifiers: MedGen CN230736.

Allele frequency attached by ClinVar (database versions not stated): gnomAD 0.00001; gnomAD exomes 0.00001 and 0.00002; TOPMed 0.00001; ExAC 0.00002; ESP Exome Variant Server 0.00008.

Submissions (2):

CeGaT Center for Human Genetics Tuebingen
Classification: Likely benign. Last evaluated: 2026-08-01. Review status: criteria provided, single submitter. Criteria: CeGaT Center For Human Genetics Tuebingen Variant Classification Criteria Version 2. Collection method: clinical testing. Allele origin: germline. Affected: yes. Observed: 1 variant allele.
Comment: APOB: BP4, BP7

Ambry Genetics
Classification: Likely benign for Cardiovascular phenotype. Last evaluated: 2025-07-28. Review status: criteria provided, single submitter. Criteria: Ambry Variant Classification Scheme 2023. Collection method: clinical testing. Allele origin: germline.